The following is an entry in ClinVar:

NM_018077.3(RBM28):c.1817G>A (p.Gly606Asp)

Gene: RBM28 (RNA binding motif protein 28; minus strand). Cytogenetic location: 7q32.1.
Variant type: single nucleotide variant.
Coding change: c.1817G>A on transcript NM_018077.3 (MANE Select); coding-DNA position 1817, G replaced by A.
Protein change: p.Gly606Asp; replaces glycine 606 with aspartic acid.
Molecular consequence: missense variant.
Genome position (GRCh38, 1-based): chr7:128,314,992, C>T on the plus strand (G>A on the coding strand, the complement: RBM28 is on the minus strand). VCF-style: chr7-128314992-C-T. GRCh37 (hg19) VCF-style: chr7-127955045-C-T.
Other names: c.1394G>A, p.Gly465Asp (NM_001166135.2); short protein forms G465D, G606D.
Identifiers: ClinVar variation 2657984 (VCV002657984.24), dbSNP rs140616619, ClinGen allele CA4469876.
Genomic context (GRCh38, chr7:128,314,992, plus strand): 5'-TGTTGAGCTGCCTTCTGTTGCTGGTCTTTTGCAGGCTCTGGTTGCCCCTTCTGAGGCTCA[C>T]CAGTTGCAGGCTTGGATCTCATTTTTTGCTGCATAAAACAAGAAAATGCCATCTGGTTTC-3'
Protein context (NP_060547.2, residues 596-616): LQKMRSKPAT[Gly606Asp]EPQKGQPEPA

ClinVar aggregate classification (germline): Likely benign (1 of 4 stars; one submission).

Allele frequency attached by ClinVar (database versions not stated): TOPMed 0.00018; ESP Exome Variant Server 0.00031; gnomAD 0.00040; gnomAD exomes 0.00044; ExAC 0.00074; 1000 Genomes Project 30x 0.00141; 1000 Genomes Project 0.00180.
gnomAD v4.1: 719 of 1,614,200 alleles (0.045%); highest among the groups gnomAD compares: South Asian, 0.54%; 7 homozygotes.

Submission:

CeGaT Center for Human Genetics Tuebingen
Classification: Likely benign. Last evaluated: 2022-12-01. Review status: criteria provided, single submitter. Criteria: CeGaT Center For Human Genetics Tuebingen Variant Classification Criteria Version 2. Collection method: clinical testing. Allele origin: germline. Affected: yes. Observed: 1 variant allele.
Comment: RBM28: BP4, BS2